The following is an entry in ClinVar:

ClinVar aggregate classification (germline): Uncertain significance (1 of 4 stars; one submission).

gnomAD v4.1: 17 of 1,590,150 alleles (0.0011%); highest among the groups gnomAD compares: South Asian, 0.0068%; no homozygotes.

Submission:

Labcorp Genetics (formerly Invitae), Labcorp
Classification: Uncertain significance. Last evaluated: 2022-03-16. Review status: criteria provided, single submitter. Criteria: Invitae Variant Classification Sherloc (09022015). Collection method: clinical testing. Allele origin: germline.
Comment: The frequency data for this variant in the population databases is considered unreliable, as metrics indicate poor data quality at this position in the gnomAD database. In summary, the available evidence is currently insufficient to determine the role of this variant in disease. Therefore, it has been classified as a Variant of Uncertain Significance. Algorithms developed to predict the effect of missense changes on protein structure and function (SIFT, PolyPhen-2, Align-GVGD) all suggest that this variant is likely to be tolerated. This variant has not been reported in the literature in individuals affected with SBF1-related conditions. This sequence change replaces proline, which is neutral and non-polar, with leucine, which is neutral and non-polar, at codon 1347 of the SBF1 protein (p.Pro1347Leu).

NM_002972.4(SBF1):c.4040C>T (p.Pro1347Leu)

Gene: SBF1 (SET binding factor 1; minus strand). Cytogenetic location: 22q13.33.
Variant type: single nucleotide variant.
Coding change: c.4040C>T on transcript NM_002972.4 (MANE Select); coding-DNA position 4040, C replaced by T.
Protein change: p.Pro1347Leu; replaces proline 1347 with leucine.
Molecular consequence: missense variant.
Genome position (GRCh38, 1-based): chr22:50,456,538, G>A on the plus strand (C>T on the coding strand, the complement: SBF1 is on the minus strand). VCF-style: chr22-50456538-G-A. GRCh37 (hg19) VCF-style: chr22-50894967-G-A.
Other names: c.3965C>T, p.Pro1322Leu (NM_001365819.1); short protein forms P1322L, P1347L.
Identifiers: ClinVar variation 1524386 (VCV001524386.8), dbSNP rs750323488, ClinGen allele CA325528981.
Genomic context (GRCh38, chr22:50,456,538, plus strand): 5'-CGCACCCCAGTCACCTTGAGCTGGGCTTTGTCCCCAAGGATATAGAGGGCTGCTCGCTGC[G>A]GACGCAGGAAGCCCGGGTCGGGAGGGCCCCCGTTGGCCTGGGGTGGGGCCAGCGCGTCTC-3'
Protein context (NP_002963.2, residues 1337-1357): GGPPDPGFLR[Pro1347Leu]QRAALYILGD